The following is an entry in ClinVar:

NM_001374828.1(ARID1B):c.503A>G (p.His168Arg)

Genes: ARID1B (AT-rich interaction domain 1B; plus strand), LOC115308161 (uncharacterized LOC115308161; minus strand). Cytogenetic location: 6q25.3.
Variant type: single nucleotide variant.
Coding change: c.503A>G on transcript NM_001374828.1 (MANE Select); coding-DNA position 503, A replaced by G.
Protein change: p.His168Arg; replaces histidine 168 with arginine.
Molecular consequence: missense variant.
Genome position (GRCh38, 1-based): chr6:156,778,183, A>G. VCF-style: chr6-156778183-A-G. GRCh37 (hg19) VCF-style: chr6-157099317-A-G.
Other names: c.503A>G, p.His168Arg (NM_001371656.1, NM_001374820.1, NM_017519.3); short protein forms H168R.
Identifiers: ClinVar variation 1473517 (VCV001473517.6), dbSNP rs1042976677, ClinGen allele CA150802703.

ClinVar aggregate classification (germline): Uncertain significance (1 of 4 stars; one submission).

Allele frequency attached by ClinVar (database versions not stated): TOPMed below 0.00001; gnomAD exomes 0.00001.

Submission:

Labcorp Genetics (formerly Invitae), Labcorp
Classification: Uncertain significance. Last evaluated: 2021-09-21. Review status: criteria provided, single submitter. Criteria: Invitae Variant Classification Sherloc (09022015). Collection method: clinical testing. Allele origin: germline.
Comment: This sequence change replaces histidine with arginine at codon 85 of the ARID1B protein (p.His85Arg). The histidine residue is weakly conserved and there is a small physicochemical difference between histidine and arginine. This variant is not present in population databases (ExAC no frequency). In summary, the available evidence is currently insufficient to determine the role of this variant in disease. Therefore, it has been classified as a Variant of Uncertain Significance. Algorithms developed to predict the effect of missense changes on protein structure and function are either unavailable or do not agree on the potential impact of this missense change (SIFT: "Deleterious"; PolyPhen-2: "Not Available"; Align-GVGD: "Class C0"). This variant has not been reported in the literature in individuals affected with ARID1B-related conditions.